The following is an entry in ClinVar:

NM_002471.4(MYH6):c.1736C>T (p.Ser579Phe)

Gene: MYH6 (myosin heavy chain 6; minus strand). Cytogenetic location: 14q11.2.
Variant type: single nucleotide variant.
Coding change: c.1736C>T on transcript NM_002471.4 (MANE Select); coding-DNA position 1736, C replaced by T.
Protein change: p.Ser579Phe; replaces serine 579 with phenylalanine.
Molecular consequence: missense variant.
Genome position (GRCh38, 1-based): chr14:23,398,883, G>A on the plus strand (C>T on the coding strand, the complement: MYH6 is on the minus strand). VCF-style: chr14-23398883-G-A. GRCh37 (hg19) VCF-style: chr14-23868092-G-A.
Other names: short protein forms S579F.
Identifiers: ClinVar variation 1515249 (VCV001515249.8), dbSNP rs374180605, ClinGen allele CA389020406.

ClinVar aggregate classification (germline): Uncertain significance (1 of 4 stars; one submission).

Conditions:
Hypertrophic cardiomyopathy 14. Identifiers: MedGen C2750467, MONDO:0013197, OMIM 613251.

gnomAD v4.1: 2 of 1,614,140 alleles (0.00012%); highest among the groups gnomAD compares: Non-Finnish European, 0.000085%; no homozygotes.

Submission:

Labcorp Genetics (formerly Invitae), Labcorp
Classification: Uncertain significance for Hypertrophic cardiomyopathy 14. Last evaluated: 2021-01-12. Review status: criteria provided, single submitter. Criteria: Invitae Variant Classification Sherloc (09022015). Collection method: clinical testing. Allele origin: germline.
Comment: This variant has not been reported in the literature in individuals with MYH6-related conditions. This variant is not present in population databases (ExAC no frequency). This sequence change replaces serine with phenylalanine at codon 579 of the MYH6 protein (p.Ser579Phe). The serine residue is weakly conserved and there is a large physicochemical difference between serine and phenylalanine. Algorithms developed to predict the effect of missense changes on protein structure and function are either unavailable or do not agree on the potential impact of this missense change (SIFT: "Tolerated"; PolyPhen-2: "Probably Damaging"; Align-GVGD: "Class C0"). In summary, the available evidence is currently insufficient to determine the role of this variant in disease. Therefore, it has been classified as a Variant of Uncertain Significance.